The following is an entry in ClinVar:

ClinVar aggregate classification (germline): Pathogenic (1 of 4 stars; one submission).

Submission:

ISCA site 17
Classification: Pathogenic. Last evaluated: 2011-08-12. Review status: criteria provided, single submitter. Criteria: Kaminsky et al. (Genet Med. 2011). Collection method: clinical testing. Allele origin: unknown. Affected: yes. Observed: 1 variant allele.
Comment: Copy number variation identified through the course of routine clinical cytogenomic testing in postnatal populations. Clinical assertions have been curated as described in Kaminsky et al. 2011.

GRCh38/hg38 2q31.1(chr2:172366752-176361187)x1

Genes: MAP3K20 (mitogen-activated protein kinase kinase kinase 20; plus strand), MAP3K20-AS1 (MAP3K20 antisense RNA 1; minus strand), MIR10B (microRNA 10b; plus strand), MIR7704 (microRNA 7704; plus strand), MIR933 (microRNA 933; minus strand) and 134 more. Cytogenetic location: 2q31.1.
Variant type: copy number loss.
Change: copy number 1 (one copy instead of two) of chr2:172,366,752-176,361,187 (3.99 Mb, GRCh38 coordinates, 1-based), cytogenetic band 2q31.1.
Identifiers: ClinVar variation 58766 (VCV000058766.1).